The following is an entry in ClinVar:

ClinVar aggregate classification (germline): Uncertain significance. Review status: criteria provided, multiple submitters, no conflicts (2 of 4 stars). 4 submissions from 4 submitters: Uncertain significance (4). Last evaluated 2025-05-12.

Conditions:
Hereditary nonpolyposis colorectal neoplasms. Identifiers: MedGen C0009405, MeSH D003123.
Lynch syndrome 4 (LYNCH4). Also called: Hereditary non-polyposis colorectal cancer, type 4; Colorectal cancer, hereditary nonpolyposis, type 4. Identifiers: Orphanet 144, MedGen C1838333, MONDO:0013699, OMIM 614337. Disease mechanism: loss of function.
Hereditary cancer-predisposing syndrome. Also called: Neoplastic Syndromes, Hereditary; Hereditary Cancer Syndrome; Tumor predisposition; Hereditary neoplastic syndrome. Identifiers: Orphanet 140162, MedGen C0027672, MeSH D009386, MONDO:0015356.

Submissions (4):

Color Diagnostics, LLC DBA Color Health
Classification: Uncertain significance for Hereditary cancer-predisposing syndrome. Last evaluated: 2025-05-12. Review status: criteria provided, single submitter. Criteria: ACMG Guidelines, 2015. Collection method: clinical testing. Allele origin: germline.
Comment: This missense variant replaces glutamic acid with aspartic acid at codon 491 of the PMS2 protein. Computational prediction suggests that this variant may not impact protein structure and function. To our knowledge, functional studies have not been reported for this variant. This variant has not been reported in individuals affected with PMS2-related disorders in the literature. This variant has not been identified in the general population by the Genome Aggregation Database (gnomAD). The available evidence is insufficient to determine the role of this variant in disease conclusively. Therefore, this variant is classified as a Variant of Uncertain Significance.

Labcorp Genetics (formerly Invitae), Labcorp
Classification: Uncertain significance for Hereditary nonpolyposis colorectal neoplasms. Last evaluated: 2025-02-03. Review status: criteria provided, single submitter. Criteria: Invitae Variant Classification Sherloc (09022015). Collection method: clinical testing. Allele origin: germline.
Comment: This sequence change replaces glutamic acid, which is acidic and polar, with aspartic acid, which is acidic and polar, at codon 491 of the PMS2 protein (p.Glu491Asp). This variant is not present in population databases (gnomAD no frequency). This variant has not been reported in the literature in individuals affected with PMS2-related conditions. ClinVar contains an entry for this variant (Variation ID: 573241). Invitae Evidence Modeling incorporating data from in vitro experimental studies (internal data) indicates that this missense variant is not expected to disrupt PMS2 function with a negative predictive value of 95%. In summary, the available evidence is currently insufficient to determine the role of this variant in disease. Therefore, it has been classified as a Variant of Uncertain Significance.

Ambry Genetics
Classification: Uncertain significance for Hereditary cancer-predisposing syndrome. Last evaluated: 2024-06-16. Review status: criteria provided, single submitter. Criteria: Ambry Variant Classification Scheme 2023. Collection method: clinical testing. Allele origin: germline.
Comment: The p.E491D variant (also known as c.1473G>C), located in coding exon 11 of the PMS2 gene, results from a G to C substitution at nucleotide position 1473. The glutamic acid at codon 491 is replaced by aspartic acid, an amino acid with highly similar properties. This amino acid position is conserved. In addition, this alteration is predicted to be tolerated by in silico analysis. Based on the available evidence, the clinical significance of this variant remains unclear.

Mendelics
Classification: Uncertain significance for Lynch syndrome 4. Last evaluated: 2019-05-28. Review status: criteria provided, single submitter. Criteria: Mendelics Assertion Criteria 2017. Collection method: clinical testing. Allele origin: unknown.

NM_000535.7(PMS2):c.1473G>C (p.Glu491Asp)

Gene: PMS2 (PMS1 homolog 2, mismatch repair system component; minus strand). Cytogenetic location: 7p22.1.
Variant type: single nucleotide variant.
Coding change: c.1473G>C on transcript NM_000535.7 (MANE Select); coding-DNA position 1473, G replaced by C.
Protein change: p.Glu491Asp; replaces glutamic acid 491 with aspartic acid.
Molecular consequence: missense variant. On other transcripts: non-coding transcript variant (1).
Genome position (GRCh38, 1-based): chr7:5,987,292, C>G on the plus strand (G>C on the coding strand, the complement: PMS2 is on the minus strand). VCF-style: chr7-5987292-C-G. GRCh37 (hg19) VCF-style: chr7-6026923-C-G.
Other names: c.1068G>C, p.Glu356Asp (NM_001322003.2, NM_001322004.2, NM_001322005.2 and 1 more transcripts); c.1317G>C, p.Glu439Asp (NM_001322006.2); c.1155G>C, p.Glu385Asp (NM_001322007.2, NM_001322008.2); c.912G>C, p.Glu304Asp (NM_001322010.2); c.540G>C, p.Glu180Asp (NM_001322011.2, NM_001322012.2); c.900G>C, p.Glu300Asp (NM_001322013.2); c.1473G>C, p.Glu491Asp (NM_001322014.2); c.1164G>C, p.Glu388Asp (NM_001322015.2); short protein forms E491D, E439D, E385D, E180D, E300D, E304D, E356D, E388D.
Identifiers: ClinVar variation 573241 (VCV000573241.12), dbSNP rs530105089, ClinGen allele CA153228249.
Genomic context (GRCh38, chr7:5,987,292, plus strand): 5'-CGTGTCTGGGATGCTGAACCCCTCAGAATCCACGGAAGTGCTGCCGTGCCCCGAGTCCTT[C>G]TCCACCTCCGCTCTGTCCGTAGGGTCACTGGGTCCGTGACTGGAACTCACTGCCTCTTTC-3'
Protein context (NP_000526.2, residues 481-501): PSDPTDRAEV[Glu491Asp]KDSGHGSTSV